The following is an entry in ClinVar:

NM_001354604.2(MITF):c.1052G>A (p.Gly351Glu)

Gene: MITF (melanocyte inducing transcription factor; plus strand). Cytogenetic location: 3p13.
Variant type: single nucleotide variant.
Coding change: c.1052G>A on transcript NM_001354604.2 (MANE Select); coding-DNA position 1052, G replaced by A.
Protein change: p.Gly351Glu; replaces glycine 351 with glutamic acid.
Molecular consequence: missense variant.
Genome position (GRCh38, 1-based): chr3:69,959,293, G>A. VCF-style: chr3-69959293-G-A. GRCh37 (hg19) VCF-style: chr3-70008444-G-A.
Other names: c.731G>A, p.Gly244Glu (NM_000248.4); c.878G>A, p.Gly293Glu (NM_001184967.2, NM_001354608.2); c.1049G>A, p.Gly350Glu (NM_001354605.2); c.1031G>A, p.Gly344Glu (NM_001354606.2, NM_006722.3); c.983G>A, p.Gly328Glu (NM_001354607.2); c.713G>A, p.Gly238Glu (NM_198158.3); c.1034G>A, p.Gly345Glu (NM_198159.3); c.986G>A, p.Gly329Glu (NM_198177.3); and 1 more; short protein forms G182E, G238E, G244E, G293E, G328E, G329E, G344E, G345E.
Identifiers: ClinVar variation 1048556 (VCV001048556.5), dbSNP rs2107536936, ClinGen allele CA353561919.

ClinVar aggregate classification (germline): Likely pathogenic. Review status: criteria provided, multiple submitters, no conflicts (2 of 4 stars). 3 submissions from 3 submitters: Likely pathogenic (3). Last evaluated 2025-09-19.

Conditions:
MITF-related disorder. Also called: MITF-related condition.
Waardenburg syndrome type 2A (WS2A). Also called: WAARDENBURG SYNDROME WITHOUT DYSTOPIA CANTHORUM. Identifiers: Orphanet 3440, MedGen C1860339, MONDO:0008671, OMIM 193510.

Submissions (3):

Rady Children's Institute for Genomic Medicine, Rady Children's Hospital San Diego
Classification: Likely pathogenic for MITF-related disorders. Last evaluated: 2025-09-19. Review status: criteria provided, single submitter. Criteria: ACMG Guidelines, 2015. Collection method: clinical testing. Allele origin: germline. Affected: yes.
Comment: This variant is also referred to as c.1052G>A (p.Gly351Glu) in the literature. The c.731G>A (p.Gly244Glu) variant affects a highly conserved amino acid and is predicted by multiple in silico tools to have a deleterious effect on protein function. This variant has been previously reported as a heterozygous change in patients with Waardenburg syndrome (PMID: 34149797). Experimental studies showed that the c.731G>A (p.Gly244Glu) variant impacts protein function (PMID: 8947051). The c.731G>A (p.Gly244Glu) variant is absent from the latest version of the gnomAD population database and thus is presumed to be rare. Based on parental analysis, this variant likely occurred as a de novo event. Based on the available evidence, c.731G>A (p.Gly244Glu) is classified as Likely Pathogenic.

GeneDx
Classification: Likely pathogenic. Last evaluated: 2022-05-02. Review status: criteria provided, single submitter. Criteria: GeneDx Variant Classification Process June 2021. Collection method: clinical testing. Allele origin: germline. Affected: yes.
Comment: Observed in a family with Waardenburg syndrome in published literature (Zhang S et al., 2021); Published functional studies demonstrate a disruption of DNA binding; furthermore, heterozygous and homozygous mouse models presented with reduced or absent melanin pigmentation (Steingrimsson et al., 1996); Not observed at significant frequency in large population cohorts (gnomAD); In silico analysis supports that this missense variant has a deleterious effect on protein structure/function; This variant is associated with the following publications: (PMID: 12753399, 11955610, 17516926, 12032083, 34149797, 8947051)

Precision Medicine Center, Zhengzhou University
Classification: Likely pathogenic for Waardenburg syndrome type 2A. Review status: criteria provided, single submitter. Criteria: ACMG Guidelines, 2015. Collection method: research. Allele origin: germline. Affected: yes. Observed: 2 variant alleles.
Comment: PS3+PM2+PP1+PP3

Literature cited by the submitters: PubMed 34149797 (cited by Rady Children's Institute for Genomic Medicine, Rady Children's Hospital San Diego); PubMed 8947051 (cited by Rady Children's Institute for Genomic Medicine, Rady Children's Hospital San Diego).